The following is an entry in ClinVar:

ClinVar aggregate classification (germline): Uncertain significance (1 of 4 stars; one submission).

Submissions (2):

Labcorp Genetics (formerly Invitae), Labcorp
Classification: Uncertain significance. Last evaluated: 2023-06-29. Review status: criteria provided, single submitter. Criteria: Invitae Variant Classification Sherloc (09022015). Collection method: clinical testing. Allele origin: germline.
Comment: In summary, the available evidence is currently insufficient to determine the role of this variant in disease. Therefore, it has been classified as a Variant of Uncertain Significance. This sequence change replaces threonine, which is neutral and polar, with alanine, which is neutral and non-polar, at codon 192 of the SCO1 protein (p.Thr192Ala). This variant is not present in population databases (gnomAD no frequency). This variant has not been reported in the literature in individuals affected with SCO1-related conditions. ClinVar contains an entry for this variant (Variation ID: 1356538). An algorithm developed to predict the effect of missense changes on protein structure and function (PolyPhen-2) suggests that this variant is likely to be tolerated.

Dr. Peter K. Rogan Lab, Western University
No classification provided (evidence only). Condition: Pancreatic adenocarcinoma. Review status: no classification provided. Collection method: in vitro. Allele origin: not applicable. Functional consequence: retained intron. Not counted in ClinVar's aggregate classification.

NM_004589.4(SCO1):c.574A>G (p.Thr192Ala)

Gene: SCO1 (synthesis of cytochrome C oxidase 1; minus strand). Cytogenetic location: 17p13.1.
Variant type: single nucleotide variant.
Coding change: c.574A>G on transcript NM_004589.4 (MANE Select); coding-DNA position 574, A replaced by G.
Protein change: p.Thr192Ala; replaces threonine 192 with alanine.
Molecular consequence: missense variant.
Genome position (GRCh38, 1-based): chr17:10,691,953, T>C on the plus strand (A>G on the coding strand, the complement: SCO1 is on the minus strand). VCF-style: chr17-10691953-T-C. GRCh37 (hg19) VCF-style: chr17-10595270-T-C.
Other names: short protein forms T192A.
Identifiers: ClinVar variation 1356538 (VCV001356538.9), dbSNP rs2151456661, ClinGen allele CA398131058.
Genomic context (GRCh38, chr17:10,691,953, plus strand): 5'-CTTCTTTTGTGTCCCTCTCTGGGTCAATGCTGATGAAAAGTGGAGTTAGATCTGGCAGAG[T>C]TGTAATGCTATCTGAAAGAGAGTTCCAATTAGTCCGTATTCACACCCTAAGGGAAAAGAC-3'
Protein context (NP_004580.1, residues 182-202): QVVDEIDSIT[Thr192Ala]LPDLTPLFIS